The following is an entry in ClinVar:

NM_006767.4(LZTR1):c.541A>G (p.Thr181Ala)

Gene: LZTR1 (leucine zipper like post translational regulator 1; plus strand). Cytogenetic location: 22q11.21.
Variant type: single nucleotide variant.
Coding change: c.541A>G on transcript NM_006767.4 (MANE Select); coding-DNA position 541, A replaced by G.
Protein change: p.Thr181Ala; replaces threonine 181 with alanine.
Molecular consequence: missense variant.
Genome position (GRCh38, 1-based): chr22:20,988,820, A>G. VCF-style: chr22-20988820-A-G. GRCh37 (hg19) VCF-style: chr22-21343109-A-G.
Other names: short protein forms T181A.
Identifiers: ClinVar variation 1380364 (VCV001380364.8), dbSNP rs1569154947, ClinGen allele CA410780137.

ClinVar aggregate classification (germline): Uncertain significance (1 of 4 stars; one submission).

Allele frequency attached by ClinVar (database versions not stated): gnomAD exomes below 0.00001.
gnomAD v4.1: 1 of 1,614,078 alleles (0.000062%); no homozygotes.

Submission:

Labcorp Genetics (formerly Invitae), Labcorp
Classification: Uncertain significance. Last evaluated: 2021-03-29. Review status: criteria provided, single submitter. Criteria: Invitae Variant Classification Sherloc (09022015). Collection method: clinical testing. Allele origin: germline.
Comment: Algorithms developed to predict the effect of missense changes on protein structure and function (SIFT, PolyPhen-2, Align-GVGD) all suggest that this variant is likely to be tolerated, but these predictions have not been confirmed by published functional studies and their clinical significance is uncertain. This variant has not been reported in the literature in individuals with LZTR1-related conditions. This variant is not present in population databases (ExAC no frequency). This sequence change replaces threonine with alanine at codon 181 of the LZTR1 protein (p.Thr181Ala). The threonine residue is highly conserved and there is a small physicochemical difference between threonine and alanine. In summary, the available evidence is currently insufficient to determine the role of this variant in disease. Therefore, it has been classified as a Variant of Uncertain Significance.